The following is an entry in ClinVar:

ClinVar aggregate classification (germline): Uncertain significance (1 of 4 stars; one submission).

Conditions:
Developmental and epileptic encephalopathy. Identifiers: MedGen C5779964, MONDO:0100620.

Submission:

Labcorp Genetics (formerly Invitae), Labcorp
Classification: Uncertain significance for Early-infantile DEE. Last evaluated: 2021-08-04. Review status: criteria provided, single submitter. Criteria: Invitae Variant Classification Sherloc (09022015). Collection method: clinical testing. Allele origin: germline.
Comment: In summary, the available evidence is currently insufficient to determine the role of this variant in disease. Therefore, it has been classified as a Variant of Uncertain Significance. This variant has not been reported in the literature in individuals affected with KCNQ2-related conditions. This variant results in a copy number gain of the genomic region encompassing exon(s) 13-17 of the KCNQ2 gene. This region includes the termination codon of the gene. This copy number gain extends beyond the assayed region for this gene and therefore may encompass additional genes. As the precise location of this event is unknown, it may be in tandem or it may be located elsewhere in the genome.

NC_000020.10:g.(?_61978090)_(62046499_?)dup

Genes: CHRNA4 (cholinergic receptor nicotinic alpha 4 subunit; minus strand), KCNQ2 (potassium voltage-gated channel subfamily Q member 2; minus strand). Cytogenetic location: 20q13.33.
Variant type: Duplication.
Identifiers: ClinVar variation 1441839 (VCV001441839.5).